The following is an entry in ClinVar:

NM_001042492.3(NF1):c.4772del (p.Ser1591fs)

Gene: NF1 (neurofibromin 1; plus strand). Cytogenetic location: 17q11.2.
Variant type: Deletion.
Coding change: c.4772del on transcript NM_001042492.3 (MANE Select); coding-DNA position 4772, one base deleted (G; older notation c.4772delG).
Protein change: p.Ser1591fs; shifts the reading frame from serine 1591.
Molecular consequence: frameshift variant.
Genome position (GRCh38, 1-based): chr17:31,265,276, G deleted. VCF-style (leftmost placement, unchanged base first): chr17-31265275-AG-A. GRCh37 (hg19) VCF-style: chr17-29592293-AG-A.
Other names: c.4709delG, p.Ser1570Ilefs (NM_000267.4); short protein forms S1591fs, S1570fs.
Identifiers: ClinVar variation 2843406 (VCV002843406.3), dbSNP rs2508445234, ClinGen allele CA2739267415.

ClinVar aggregate classification (germline): Pathogenic (1 of 4 stars; one submission).

Conditions:
Neurofibromatosis, type 1 (NF1). Also called: Neurofibromatosis, type I; VON RECKLINGHAUSEN DISEASE; NEUROFIBROMATOSIS, TYPE I, SOMATIC; Peripheral type neurofibromatosis. Identifiers: Orphanet 636, MedGen C0027831, MONDO:0018975, OMIM 162200. Disease mechanism: loss of function.

Submission:

Labcorp Genetics (formerly Invitae), Labcorp
Classification: Pathogenic for Neurofibromatosis, type 1. Last evaluated: 2023-03-07. Review status: criteria provided, single submitter. Criteria: Invitae Variant Classification Sherloc (09022015). Collection method: clinical testing. Allele origin: germline.
Comment: This sequence change creates a premature translational stop signal (p.Ser1570Ilefs*33) in the NF1 gene. It is expected to result in an absent or disrupted protein product. Loss-of-function variants in NF1 are known to be pathogenic (PMID: 10712197, 23913538). This variant is not present in population databases (gnomAD no frequency). This variant has not been reported in the literature in individuals affected with NF1-related conditions. For these reasons, this variant has been classified as Pathogenic.

Literature cited by the submitters: PubMed 10712197; PubMed 23913538.